The following is an entry in ClinVar:

NM_000179.3(MSH6):c.674T>C (p.Ile225Thr)

Gene: MSH6 (mutS homolog 6; plus strand). Cytogenetic location: 2p16.3.
Variant type: single nucleotide variant.
Coding change: c.674T>C on transcript NM_000179.3 (MANE Select); coding-DNA position 674, T replaced by C.
Protein change: p.Ile225Thr; replaces isoleucine 225 with threonine.
Molecular consequence: missense variant. On other transcripts: 5 prime UTR variant (2).
Genome position (GRCh38, 1-based): chr2:47,798,657, T>C. VCF-style: chr2-47798657-T-C. GRCh37 (hg19) VCF-style: chr2-48025796-T-C.
Other names: c.284T>C, p.Ile95Thr (NM_001281492.2); c.-233T>C (NM_001281493.2, NM_001281494.2); short protein forms I225T, I95T.
Identifiers: ClinVar variation 491989 (VCV000491989.7), dbSNP rs1553412096, ClinGen allele CA346739440.

ClinVar aggregate classification (germline): Uncertain significance. Review status: criteria provided, multiple submitters, no conflicts (2 of 4 stars). 2 submissions from 2 submitters: Uncertain significance (2). Last evaluated 2023-12-05.

Conditions:
Hereditary cancer-predisposing syndrome. Also called: Hereditary neoplastic syndrome; Tumor predisposition; Hereditary Cancer Syndrome; Neoplastic Syndromes, Hereditary. Identifiers: Orphanet 140162, MedGen C0027672, MeSH D009386, MONDO:0015356.

Submissions (2):

Color Diagnostics, LLC DBA Color Health
Classification: Uncertain significance for Hereditary cancer-predisposing syndrome. Last evaluated: 2023-12-05. Review status: criteria provided, single submitter. Criteria: ACMG Guidelines, 2015. Collection method: clinical testing. Allele origin: germline.
Comment: This missense variant replaces isoleucine with threonine at codon 225 of the MSH6 protein. Computational prediction suggests that this variant may not impact protein structure and function (internally defined REVEL score threshold <= 0.5, PMID: 27666373). To our knowledge, functional studies have not been reported for this variant. This variant has not been reported in individuals affected with MSH6-related disorders in the literature. This variant has not been identified in the general population by the Genome Aggregation Database (gnomAD). The available evidence is insufficient to determine the role of this variant in disease conclusively. Therefore, this variant is classified as a Variant of Uncertain Significance.

Ambry Genetics
Classification: Uncertain significance for Hereditary cancer-predisposing syndrome. Last evaluated: 2021-10-13. Review status: criteria provided, single submitter. Criteria: Ambry Variant Classification Scheme 2023. Collection method: clinical testing. Allele origin: germline.
Comment: The p.I225T variant (also known as c.674T>C), located in coding exon 4 of the MSH6 gene, results from a T to C substitution at nucleotide position 674. The isoleucine at codon 225 is replaced by threonine, an amino acid with similar properties. This amino acid position is not well conserved in available vertebrate species. In addition, this alteration is predicted to be tolerated by in silico analysis. Since supporting evidence is limited at this time, the clinical significance of this alteration remains unclear.